The following is an entry in ClinVar:

ClinVar aggregate classification (germline): Uncertain significance. Review status: criteria provided, single submitter (1 of 4 stars). 2 submissions from 2 submitters: Uncertain significance (1). 1 of the submissions does not count toward it. Last evaluated 2018-01-13.

Conditions:
F13B-related disorder. Also called: F13B-related condition.
Factor XIII, b subunit, deficiency of. Also called: Factor XIII subunit B deficiency. Identifiers: Orphanet 331, MedGen C2750481, MONDO:0013190, OMIM 613235, HP:0040234.

Allele frequency attached by ClinVar (database versions not stated): TOPMed 0.00021; gnomAD exomes 0.00022 and 0.00030; gnomAD 0.00027 and 0.00029; ExAC 0.00028; ESP Exome Variant Server 0.00031.
gnomAD v4.1: 356 of 1,613,538 alleles (0.022%); highest among the groups gnomAD compares: Admixed American, 0.022%; 2 homozygotes.

Submissions (2):

Illumina Laboratory Services, Illumina
Classification: Uncertain significance for Factor XIII, b subunit, deficiency of. Last evaluated: 2018-01-13. Review status: criteria provided, single submitter. Criteria: ICSL Variant Classification Criteria 13 December 2019. Collection method: clinical testing. Allele origin: germline.

PreventionGenetics, part of Exact Sciences
Classification: Likely benign for F13B-related condition. Last evaluated: 2024-07-09. Review status: no assertion criteria provided. Collection method: clinical testing. Allele origin: germline. Not counted in ClinVar's aggregate classification.
Comment: This variant is classified as likely benign based on ACMG/AMP sequence variant interpretation guidelines (Richards et al. 2015 PMID: 25741868, with internal and published modifications).

NM_001994.3(F13B):c.1285T>C (p.Tyr429His)

Gene: F13B (coagulation factor XIII B chain; minus strand). Cytogenetic location: 1q31.3.
Variant type: single nucleotide variant.
Coding change: c.1285T>C on transcript NM_001994.3 (MANE Select); coding-DNA position 1285, T replaced by C.
Protein change: p.Tyr429His; replaces tyrosine 429 with histidine.
Molecular consequence: missense variant.
Genome position (GRCh38, 1-based): chr1:197,055,784, A>G on the plus strand (T>C on the coding strand, the complement: F13B is on the minus strand). VCF-style: chr1-197055784-A-G. GRCh37 (hg19) VCF-style: chr1-197024914-A-G.
Other names: short protein forms Y429H.
Identifiers: ClinVar variation 294575 (VCV000294575.6), dbSNP rs201427054, ClinGen allele CA1308371.